The following is an entry in ClinVar:

ClinVar aggregate classification (germline): Uncertain significance (1 of 4 stars; one submission).

Conditions:
Cryptosporidiosis-chronic cholangitis-liver disease syndrome. Also called: IL21R immunodeficiency; Immunodeficiency type 56. Identifiers: Orphanet 357329, MedGen C3554687, MONDO:0014082, OMIM 615207.

Allele frequency attached by ClinVar (database versions not stated): gnomAD exomes 0.00002; ExAC 0.00001.
gnomAD v4.1: 11 of 1,605,164 alleles (0.00069%); highest among the groups gnomAD compares: Non-Finnish European, 0.00025%; no homozygotes.

Submission:

Labcorp Genetics (formerly Invitae), Labcorp
Classification: Uncertain significance for Cryptosporidiosis-chronic cholangitis-liver disease syndrome. Last evaluated: 2021-09-24. Review status: criteria provided, single submitter. Criteria: Invitae Variant Classification Sherloc (09022015). Collection method: clinical testing. Allele origin: germline.
Comment: This sequence change replaces leucine with phenylalanine at codon 9 of the IL21R protein (p.Leu9Phe). The leucine residue is moderately conserved and there is a small physicochemical difference between leucine and phenylalanine. This variant is present in population databases (rs758665836, ExAC 0.002%). This variant has not been reported in the literature in individuals with IL21R-related conditions. Algorithms developed to predict the effect of missense changes on protein structure and function output the following: SIFT: "Deleterious"; PolyPhen-2: "Benign"; Align-GVGD: "Class C0". The phenylalanine amino acid residue is found in multiple mammalian species, suggesting that this missense change does not adversely affect protein function. These predictions have not been confirmed by published functional studies and their clinical significance is uncertain. In summary, the available evidence is currently insufficient to determine the role of this variant in disease. Therefore, it has been classified as a Variant of Uncertain Significance.

NM_181078.3(IL21R):c.27G>T (p.Leu9Phe)

Gene: IL21R (interleukin 21 receptor; plus strand). Cytogenetic location: 16p12.1.
Variant type: single nucleotide variant.
Coding change: c.27G>T on transcript NM_181078.3 (MANE Select); coding-DNA position 27, G replaced by T.
Protein change: p.Leu9Phe; replaces leucine 9 with phenylalanine.
Molecular consequence: missense variant.
Genome position (GRCh38, 1-based): chr16:27,430,098, G>T. VCF-style: chr16-27430098-G-T. GRCh37 (hg19) VCF-style: chr16-27441419-G-T.
Other names: c.27G>T, p.Leu9Phe (NM_021798.4); c.93G>T, p.Leu31Phe (NM_181079.5); short protein forms L9F, L31F.
Identifiers: ClinVar variation 1374358 (VCV001374358.5), dbSNP rs758665836, ClinGen allele CA7974828.